The following is an entry in ClinVar:

ClinVar aggregate classification (germline): Uncertain significance. Review status: criteria provided, multiple submitters, no conflicts (2 of 4 stars). 2 submissions from 2 submitters: Uncertain significance (2). Last evaluated 2025-08-11.

gnomAD v4.1: 80 of 1,613,886 alleles (0.005%); highest among the groups gnomAD compares: Middle Eastern, 0.099%; no homozygotes.

Submissions (2):

Labcorp Genetics (formerly Invitae), Labcorp
Classification: Uncertain significance. Last evaluated: 2025-08-11. Review status: criteria provided, single submitter. Criteria: Invitae Variant Classification Sherloc (09022015). Collection method: clinical testing. Allele origin: germline.
Comment: This sequence change replaces aspartic acid, which is acidic and polar, with asparagine, which is neutral and polar, at codon 30 of the MMP13 protein (p.Asp30Asn). This variant is present in population databases (rs774134193, gnomAD 0.03%). This variant has not been reported in the literature in individuals affected with MMP13-related conditions. ClinVar contains an entry for this variant (Variation ID: 3665947). An algorithm developed to predict the effect of missense changes on protein structure and function (PolyPhen-2) suggests that this variant is likely to be tolerated. In summary, the available evidence is currently insufficient to determine the role of this variant in disease. Therefore, it has been classified as a Variant of Uncertain Significance.

Blueprint Genetics
Classification: Uncertain significance. Last evaluated: 2024-10-14. Review status: criteria provided, single submitter. Criteria: ACMG Guidelines, 2015. Collection method: clinical testing. Allele origin: germline.

NM_002427.4(MMP13):c.88G>A (p.Asp30Asn)

Genes: MMP13 (matrix metallopeptidase 13; minus strand), LOC126861318 (BRD4-independent group 4 enhancer GRCh37_chr11:102825894-102827093; plus strand). Cytogenetic location: 11q22.2.
Variant type: single nucleotide variant.
Coding change: c.88G>A on transcript NM_002427.4 (MANE Select); coding-DNA position 88, G replaced by A.
Protein change: p.Asp30Asn; replaces aspartic acid 30 with asparagine.
Molecular consequence: missense variant.
Genome position (GRCh38, 1-based): chr11:102,955,618, C>T on the plus strand (G>A on the coding strand, the complement: MMP13 is on the minus strand). VCF-style: chr11-102955618-C-T. GRCh37 (hg19) VCF-style: chr11-102826347-C-T.
Other names: short protein forms D30N.
Identifiers: ClinVar variation 3665947 (VCV003665947.3).